The following is an entry in ClinVar:

NM_003924.4(PHOX2B):c.827del (p.Gly276fs)

Gene: PHOX2B (paired like homeobox 2B; minus strand). Cytogenetic location: 4p13.
Variant type: Deletion.
Coding change: c.827del on transcript NM_003924.4 (MANE Select); coding-DNA position 827, one base deleted (G; older notation c.827delG).
Protein change: p.Gly276fs; shifts the reading frame from glycine 276.
Molecular consequence: frameshift variant.
Genome position (GRCh38, 1-based): chr4:41,745,925, C deleted on the plus strand (G on the coding strand, the reverse complement: PHOX2B is on the minus strand); the first of 2 consecutive C bases (chr4:41,745,925-41,745,926); deleting either gives the same sequence. VCF-style (leftmost placement, unchanged base first): chr4-41745924-GC-G. GRCh37 (hg19) VCF-style: chr4-41747941-GC-G.
Other names: c.827delG (NM_003924.3); short protein forms G276fs.
Identifiers: ClinVar variation 4666085 (VCV004666085.1).

ClinVar aggregate classification (germline): Uncertain significance (1 of 4 stars; one submission).

Conditions:
Hereditary cancer-predisposing syndrome. Also called: Neoplastic Syndromes, Hereditary; Tumor predisposition; Hereditary Cancer Syndrome; Hereditary neoplastic syndrome. Identifiers: Orphanet 140162, MedGen C0027672, MeSH D009386, MONDO:0015356.

Submission:

Ambry Genetics
Classification: Uncertain significance for Hereditary cancer-predisposing syndrome. Last evaluated: 2025-11-24. Review status: criteria provided, single submitter. Criteria: Ambry Variant Classification Scheme 2023. Collection method: clinical testing. Allele origin: germline.
Comment: The c.827delG variant, located in coding exon 3 of the PHOX2B gene, results from a deletion of one nucleotide at nucleotide position 827, causing a translational frameshift with a predicted alternate stop codon (p.G276Afs*33). This alteration occurs at the 3' terminus of the gene, is not expected to trigger nonsense-mediated mRNAdecay, and impacts the last 12% of the protein. The exact functional effect of this alteration is unknown. Based on the available evidence, the clinical significance of this variant remains unclear.